The following is an entry in ClinVar:

NM_001286577.2(C2CD3):c.6810-3T>C

Gene: C2CD3 (C2 domain containing 3 centriole elongation regulator; minus strand). Cytogenetic location: 11q13.4.
Variant type: single nucleotide variant.
Coding change: c.6810-3T>C on transcript NM_001286577.2 (MANE Select); 3 bases into the intron before coding-DNA position 6810, T replaced by C.
Molecular consequence: intron variant.
Genome position (GRCh38, 1-based): chr11:74,028,401, A>G on the plus strand (T>C on the coding strand, the complement: C2CD3 is on the minus strand). VCF-style: chr11-74028401-A-G. GRCh37 (hg19) VCF-style: chr11-73739446-A-G.
Identifiers: ClinVar variation 4773503 (VCV004773503.1).

ClinVar aggregate classification (germline): Uncertain significance (1 of 4 stars; one submission).

gnomAD v4.1: 9 of 1,531,840 alleles (0.00059%); highest among the groups gnomAD compares: Non-Finnish European, 0.00079%; no homozygotes.

Submission:

Labcorp Genetics (formerly Invitae), Labcorp
Classification: Uncertain significance. Last evaluated: 2025-09-26. Review status: criteria provided, single submitter. Criteria: Invitae Variant Classification Sherloc (09022015). Collection method: clinical testing. Allele origin: germline.
Comment: The C2CD3 gene has multiple clinically relevant transcripts. This variant occurs in alternate transcript NM_001286577.1, and corresponds to NM_015531.5:c.*6197T>C in the primary transcript. This sequence change falls in intron 31 of the C2CD3 gene. It does not directly change the encoded amino acid sequence of the C2CD3 protein. It affects a nucleotide within the consensus splice site. This variant is not present in population databases (gnomAD no frequency). This variant has not been reported in the literature in individuals affected with C2CD3-related conditions. Variants that disrupt the consensus splice site are a relatively common cause of aberrant splicing (PMID: 17576681, 9536098). Experimental studies and prediction algorithms are not available or were not evaluated, and the effect of this variant on mRNA splicing is currently unknown. In summary, the available evidence is currently insufficient to determine the role of this variant in disease. Therefore, it has been classified as a Variant of Uncertain Significance.

Literature cited by the submitters: PubMed 17576681; PubMed 9536098.